The following is an entry in ClinVar:

NM_001382430.1(AKT1):c.92A>G (p.Asn31Ser)

Gene: AKT1 (AKT serine/threonine kinase 1; minus strand). Cytogenetic location: 14q32.33.
Variant type: single nucleotide variant.
Coding change: c.92A>G on transcript NM_001382430.1 (MANE Select); coding-DNA position 92, A replaced by G.
Protein change: p.Asn31Ser; replaces asparagine 31 with serine.
Molecular consequence: missense variant.
Genome position (GRCh38, 1-based): chr14:104,780,171, T>C on the plus strand (A>G on the coding strand, the complement: AKT1 is on the minus strand). VCF-style: chr14-104780171-T-C. GRCh37 (hg19) VCF-style: chr14-105246508-T-C.
Other names: c.92A>G, p.Asn31Ser (NM_001014431.2, NM_001014432.2, NM_001382431.1 and 3 more transcripts); short protein forms N31S.
Identifiers: ClinVar variation 2194883 (VCV002194883.4), dbSNP rs780173607, ClinGen allele CA7374908.
Genomic context (GRCh38, chr14:104,780,171, plus strand): 5'-GGAGCCTCACGTTGGTCCACATCCTGCGGCCGCTCCTTGTAGCCAATGAAGGTGCCATCA[T>C]TCTTGAGGAGGAAGTAGCGTGGCCGCCAGGTCTTGATGTACTCCCCTACAGACGTGCGGG-3'
Protein context (NP_001369359.1, residues 21-41): TWRPRYFLLK[Asn31Ser]DGTFIGYKER

ClinVar aggregate classification (germline): Uncertain significance (1 of 4 stars; one submission).

Conditions:
Cowden syndrome 6 (CWS6). Identifiers: Orphanet 201, MedGen C3554519, MONDO:0014048, OMIM 615109.

Allele frequency attached by ClinVar (database versions not stated): gnomAD exomes below 0.00001; ExAC 0.00001; gnomAD 0.00001; TOPMed 0.00002.
gnomAD v4.1: 3 of 1,613,504 alleles (0.00019%); highest among the groups gnomAD compares: African/African-American, 0.004%; no homozygotes.

Submission:

Labcorp Genetics (formerly Invitae), Labcorp
Classification: Uncertain significance for Cowden syndrome 6. Last evaluated: 2022-10-08. Review status: criteria provided, single submitter. Criteria: Invitae Variant Classification Sherloc (09022015). Collection method: clinical testing. Allele origin: germline.
Comment: In summary, the available evidence is currently insufficient to determine the role of this variant in disease. Therefore, it has been classified as a Variant of Uncertain Significance. Algorithms developed to predict the effect of missense changes on protein structure and function output the following: SIFT: "Tolerated"; PolyPhen-2: "Benign"; Align-GVGD: "Class C0". The serine amino acid residue is found in multiple mammalian species, which suggests that this missense change does not adversely affect protein function. This variant has not been reported in the literature in individuals affected with AKT1-related conditions. The frequency data for this variant in the population databases is considered unreliable, as metrics indicate poor data quality at this position in the gnomAD database. This sequence change replaces asparagine, which is neutral and polar, with serine, which is neutral and polar, at codon 31 of the AKT1 protein (p.Asn31Ser).